The following is an entry in ClinVar:

ClinVar aggregate classification (germline): Uncertain significance. Review status: criteria provided, multiple submitters, no conflicts (2 of 4 stars). 2 submissions from 2 submitters: Uncertain significance (2). Last evaluated 2024-12-15.

Conditions:
Orthostatic hypotension 1 (ORTHYP1). Also called: Dopamine beta-hydroxylase deficiency; Orthostatic hypotension 1, due to DBH deficiency; NORADRENALINE DEFICIENCY; NOREPINEPHRINE DEFICIENCY. Identifiers: Orphanet 230, MedGen C4746777, MONDO:0009123, OMIM 223360.
Inborn genetic diseases. Identifiers: MedGen C0950123, MeSH D030342.

Allele frequency attached by ClinVar (database versions not stated): TOPMed 0.00003.
gnomAD v4.1: 31 of 1,614,016 alleles (0.0019%); highest among the groups gnomAD compares: Admixed American, 0.012%; no homozygotes.

Submissions (2):

Ambry Genetics
Classification: Uncertain significance for Inborn genetic diseases. Last evaluated: 2024-12-15. Review status: criteria provided, single submitter. Criteria: Ambry Variant Classification Scheme 2023. Collection method: clinical testing. Allele origin: germline.

Labcorp Genetics (formerly Invitae), Labcorp
Classification: Uncertain significance for Orthostatic hypotension 1. Last evaluated: 2022-07-25. Review status: criteria provided, single submitter. Criteria: Invitae Variant Classification Sherloc (09022015). Collection method: clinical testing. Allele origin: germline.
Comment: This sequence change replaces glycine, which is neutral and non-polar, with serine, which is neutral and polar, at codon 316 of the DBH protein (p.Gly316Ser). This variant is present in population databases (rs755133909, gnomAD 0.01%). This variant has not been reported in the literature in individuals affected with DBH-related conditions. ClinVar contains an entry for this variant (Variation ID: 835077). Algorithms developed to predict the effect of missense changes on protein structure and function (SIFT, PolyPhen-2, Align-GVGD) all suggest that this variant is likely to be disruptive. In summary, the available evidence is currently insufficient to determine the role of this variant in disease. Therefore, it has been classified as a Variant of Uncertain Significance.

NM_000787.4(DBH):c.946G>A (p.Gly316Ser)

Gene: DBH (dopamine beta-hydroxylase; plus strand). Cytogenetic location: 9q34.2.
Variant type: single nucleotide variant.
Coding change: c.946G>A on transcript NM_000787.4 (MANE Select); coding-DNA position 946, G replaced by A.
Protein change: p.Gly316Ser; replaces glycine 316 with serine.
Molecular consequence: missense variant.
Genome position (GRCh38, 1-based): chr9:133,644,242, G>A. VCF-style: chr9-133644242-G-A. GRCh37 (hg19) VCF-style: chr9-136509364-G-A.
Other names: short protein forms G316S.
Identifiers: ClinVar variation 835077 (VCV000835077.8), dbSNP rs755133909, ClinGen allele CA5313250.
Genomic context (GRCh38, chr9:133,644,242, plus strand): 5'-GACACACCCGTCTGTCTGACACCTTGCCCCACACAGGCATTTTACTACCCAGAGGAAGCC[G>A]GCCTTGCCTTCGGGGGTCCAGGGTCCTCCAGATATCTCCGCCTGGAAGTTCACTACCACA-3'
Protein context (NP_000778.3, residues 306-326): AKAFYYPEEA[Gly316Ser]LAFGGPGSSR